The following is an entry in ClinVar:

ClinVar aggregate classification (germline): Uncertain significance (1 of 4 stars; one submission).

Conditions:
CADPS-related disorder. Also called: CADPS-related condition.

gnomAD v4.1: 2 of 1,613,896 alleles (0.00012%); highest among the groups gnomAD compares: Non-Finnish European, 0.00017%; no homozygotes.

Submission:

PreventionGenetics, part of Exact Sciences
Classification: Uncertain significance for CADPS-related condition. Last evaluated: 2026-09-01. Review status: criteria provided, single submitter. Criteria: ACMG Guidelines, 2015. Collection method: clinical testing. Allele origin: germline.
Comment: The CADPS c.1543C>T variant is predicted to result in premature protein termination (p.Arg515*). To our knowledge, this variant has not been reported in the literature or in a large population database (gnomAD), indicating this variant is rare. Loss of function is not an established mechanism of CADPS-related disease. At this time, the clinical significance of this variant is uncertain due to the absence of conclusive functional and genetic evidence.

NM_003716.4(CADPS):c.1543C>T (p.Arg515Ter)

Gene: CADPS (calcium dependent secretion activator; minus strand). Cytogenetic location: 3p14.2.
Variant type: single nucleotide variant.
Coding change: c.1543C>T on transcript NM_003716.4 (MANE Select); coding-DNA position 1543, C replaced by T.
Protein change: p.Arg515Ter; replaces arginine 515 with a stop codon.
Molecular consequence: nonsense.
Genome position (GRCh38, 1-based): chr3:62,585,219, G>A on the plus strand (C>T on the coding strand, the complement: CADPS is on the minus strand). VCF-style: chr3-62585219-G-A. GRCh37 (hg19) VCF-style: chr3-62570894-G-A.
Other names: c.1543C>T, p.Arg515Ter (NM_001437891.1, NM_001438347.1, NM_001438348.1 and 6 more transcripts); short protein forms R515*.
Identifiers: ClinVar variation 4991603 (VCV004991603.1).
Genomic context (GRCh38, chr3:62,585,219, plus strand): 5'-CTGCTAGTTGGGGAAGAAACACTTACCCAGAATGCTTCATGTTTTGAGGCTTATCCATTC[G>A]GACAGCAAGTTTGATTTTGAGATCTTGGTCGGGGCAGTTTTTGGAGACTGTCATTTTGTG-3'